The following is an entry in ClinVar:

ClinVar aggregate classification (germline): Benign/Likely benign. Review status: criteria provided, multiple submitters, no conflicts (2 of 4 stars). 5 submissions from 5 submitters: Benign (4); Likely benign (1). Last evaluated 2026-05-12.

Conditions:
3M syndrome 2. Also called: 3-M Syndrome, OBSL1-Related; THREE M SYNDROME 2. Identifiers: Orphanet 2616, MedGen C2752041, MONDO:0013039, OMIM 612921.

Allele frequency attached by ClinVar (database versions not stated): 1000 Genomes Project 0.00819; gnomAD 0.00857 and 0.00798; gnomAD exomes 0.00202; ExAC 0.00258; 1000 Genomes Project 30x 0.00859; TOPMed 0.00887; ESP Exome Variant Server 0.00902.
gnomAD v4.1: 2,400 of 1,612,264 alleles (0.15%); highest among the groups gnomAD compares: African/African-American, 2.8%; 34 homozygotes.

Submissions (5):

Women's Health and Genetics/Laboratory Corporation of America, LabCorp
Classification: Benign. Last evaluated: 2026-05-12. Review status: criteria provided, single submitter. Criteria: LabCorp Variant Classification Summary - May 2015. Collection method: clinical testing. Allele origin: germline.

Labcorp Genetics (formerly Invitae), Labcorp
Classification: Benign. Last evaluated: 2026-01-31. Review status: criteria provided, single submitter. Criteria: Invitae Variant Classification Sherloc (09022015). Collection method: clinical testing. Allele origin: germline.

Blueprint Genetics
Classification: Likely benign. Last evaluated: 2024-09-23. Review status: criteria provided, single submitter. Criteria: ACMG Guidelines, 2015. Collection method: clinical testing. Allele origin: germline.

Illumina Laboratory Services, Illumina
Classification: Benign for 3M syndrome 2. Last evaluated: 2018-01-13. Review status: criteria provided, single submitter. Criteria: ICSL Variant Classification Criteria 13 December 2019. Collection method: clinical testing. Allele origin: germline.
Comment: This variant was observed in the ICSL laboratory as part of a predisposition screen in an ostensibly healthy population. It had not been previously curated by ICSL or reported in the Human Gene Mutation Database (HGMD: prior to June 1st, 2018), and was therefore a candidate for classification through an automated scoring system. Utilizing variant allele frequency, disease prevalence and penetrance estimates, and inheritance mode, an automated score was calculated to assess if this variant is too frequent to cause the disease. Based on the score and internal cut-off values, a variant classified as benign is not then subjected to further curation. The score for this variant resulted in a classification of benign for this disease.

Breakthrough Genomics
Classification: Benign. Review status: criteria provided, single submitter. Criteria: ACMG Guidelines, 2015. Collection method: not provided. Allele origin: germline. Inheritance: Autosomal recessive inheritance. Affected: yes.

NM_015311.3(OBSL1):c.1512C>T (p.Thr504=)

Gene: OBSL1 (obscurin like cytoskeletal adaptor 1; minus strand). Cytogenetic location: 2q35.
Variant type: single nucleotide variant.
Coding change: c.1512C>T on transcript NM_015311.3 (MANE Select); coding-DNA position 1512, C replaced by T.
Protein change: p.Thr504=; no amino-acid change (threonine 504 retained).
Molecular consequence: synonymous variant.
Genome position (GRCh38, 1-based): chr2:219,567,740, G>A on the plus strand (C>T on the coding strand, the complement: OBSL1 is on the minus strand). VCF-style: chr2-219567740-G-A. GRCh37 (hg19) VCF-style: chr2-220432462-G-A.
Other names: c.1512C>T, p.Thr504= (NM_001173408.2, NM_001173431.2).
Identifiers: ClinVar variation 334520 (VCV000334520.18), dbSNP rs138262993, ClinGen allele CA2131518.
Genomic context (GRCh38, chr2:219,567,740, plus strand): 5'-GCCCTGCCTCGCCTGTCCAGAGGCCTTCCTGCCCTCACATTTTACTCTGAGAAGCGTAGT[G>A]GTACGGGAGTTGCCCAGGCTAAAGGTGACCTCGCCAGCATCCTCTCGGGTGACCCCTGGA-3'
Protein context (NP_056126.1, residues 494-514): EVTFSLGNSR[Thr504=]TTLLRVKCVK